The following is an entry in ClinVar:

ClinVar aggregate classification (germline): Likely benign (1 of 4 stars; one submission).

gnomAD v4.1: 7 of 1,614,010 alleles (0.00043%); highest among the groups gnomAD compares: Admixed American, 0.012%; no homozygotes.

Submission:

CeGaT Center for Human Genetics Tuebingen
Classification: Likely benign. Last evaluated: 2026-09-01. Review status: criteria provided, single submitter. Criteria: CeGaT Center For Human Genetics Tuebingen Variant Classification Criteria Version 2. Collection method: clinical testing. Allele origin: germline. Affected: yes. Observed: 1 variant allele.
Comment: PDE11A: BP4

NM_001077197.2(PDE11A):c.73A>C (p.Thr25Pro)

Gene: PDE11A (phosphodiesterase 11A; minus strand). Cytogenetic location: 2q31.2.
Variant type: single nucleotide variant.
Coding change: c.73A>C on transcript NM_001077197.2; coding-DNA position 73, A replaced by C.
Protein change: p.Thr25Pro; replaces threonine 25 with proline.
Molecular consequence: missense variant.
Genome position (GRCh38, 1-based): chr2:178,104,391, T>G on the plus strand (A>C on the coding strand, the complement: PDE11A is on the minus strand). VCF-style: chr2-178104391-T-G. GRCh37 (hg19) VCF-style: chr2-178969118-T-G.
Other names: short protein forms T25P.
Identifiers: ClinVar variation 5041665 (VCV005041665.1).